The following is an entry in ClinVar:

ClinVar aggregate classification (germline): Uncertain significance (1 of 4 stars; one submission).

Allele frequency attached by ClinVar (database versions not stated): gnomAD 0.00001; gnomAD exomes 0.00001; TOPMed 0.00001.
gnomAD v4.1: 23 of 1,612,464 alleles (0.0014%); highest among the groups gnomAD compares: Non-Finnish European, 0.0018%; no homozygotes.

Submission:

Labcorp Genetics (formerly Invitae), Labcorp
Classification: Uncertain significance. Last evaluated: 2022-07-15. Review status: criteria provided, single submitter. Criteria: Invitae Variant Classification Sherloc (09022015). Collection method: clinical testing. Allele origin: germline.
Comment: This sequence change replaces proline, which is neutral and non-polar, with serine, which is neutral and polar, at codon 2405 of the BPTF protein (p.Pro2405Ser). This variant is present in population databases (no rsID available, gnomAD 0.002%). This variant has not been reported in the literature in individuals affected with BPTF-related conditions. Algorithms developed to predict the effect of missense changes on protein structure and function (SIFT, PolyPhen-2, Align-GVGD) all suggest that this variant is likely to be tolerated. In summary, the available evidence is currently insufficient to determine the role of this variant in disease. Therefore, it has been classified as a Variant of Uncertain Significance.

NM_182641.4(BPTF):c.6835C>T (p.Pro2279Ser)

Gene: BPTF (bromodomain PHD finger transcription factor; plus strand). Cytogenetic location: 17q24.2.
Variant type: single nucleotide variant.
Coding change: c.6835C>T on transcript NM_182641.4 (MANE Select); coding-DNA position 6835, C replaced by T.
Protein change: p.Pro2279Ser; replaces proline 2279 with serine.
Molecular consequence: missense variant.
Genome position (GRCh38, 1-based): chr17:67,945,543, C>T. VCF-style: chr17-67945543-C-T. GRCh37 (hg19) VCF-style: chr17-65941659-C-T.
Other names: c.7213C>T, p.Pro2405Ser (NM_004459.7); short protein forms P2279S, P2405S.
Identifiers: ClinVar variation 1713575 (VCV001713575.5), dbSNP rs914847284, ClinGen allele CA293261424.